The following is an entry in ClinVar:

ClinVar aggregate classification (germline): Uncertain significance. Review status: criteria provided, multiple submitters, no conflicts (2 of 4 stars). 2 submissions from 2 submitters: Uncertain significance (2). Last evaluated 2026-06-01.

Conditions:
Charcot-Marie-Tooth disease axonal type 2P. Also called: CHARCOT-MARIE-TOOTH NEUROPATHY, TYPE 2P; CHARCOT-MARIE-TOOTH DISEASE, AXONAL, TYPE 2G; CMT 2G; Charcot-Marie-Tooth Neuropathy Type 2G. Identifiers: Orphanet 300319, Orphanet 99941, MedGen C3280797, MONDO:0013753, OMIM 614436.

Allele frequency attached by ClinVar (database versions not stated): TOPMed below 0.00001; gnomAD exomes 0.00001.
gnomAD v4.1: 3 of 1,612,300 alleles (0.00019%); highest among the groups gnomAD compares: Admixed American, 0.005%; no homozygotes.

Submissions (2):

CeGaT Center for Human Genetics Tuebingen
Classification: Uncertain significance. Last evaluated: 2026-06-01. Review status: criteria provided, single submitter. Criteria: CeGaT Center For Human Genetics Tuebingen Variant Classification Criteria Version 2. Collection method: clinical testing. Allele origin: germline. Affected: yes. Observed: 1 variant allele.
Comment: LRSAM1: PM2

Labcorp Genetics (formerly Invitae), Labcorp
Classification: Uncertain significance for Charcot-Marie-Tooth disease axonal type 2P. Last evaluated: 2022-08-17. Review status: criteria provided, single submitter. Criteria: Invitae Variant Classification Sherloc (09022015). Collection method: clinical testing. Allele origin: germline.
Comment: This variant has not been reported in the literature in individuals affected with LRSAM1-related conditions. In summary, the available evidence is currently insufficient to determine the role of this variant in disease. Therefore, it has been classified as a Variant of Uncertain Significance. Algorithms developed to predict the effect of missense changes on protein structure and function (SIFT, PolyPhen-2, Align-GVGD) all suggest that this variant is likely to be disruptive. This variant is present in population databases (no rsID available, gnomAD 0.009%). This sequence change replaces leucine, which is neutral and non-polar, with arginine, which is basic and polar, at codon 310 of the LRSAM1 protein (p.Leu310Arg).

NM_001005373.4(LRSAM1):c.929T>G (p.Leu310Arg)

Gene: LRSAM1 (leucine rich repeat and sterile alpha motif containing 1; plus strand). Cytogenetic location: 9q33.3.
Variant type: single nucleotide variant.
Coding change: c.929T>G on transcript NM_001005373.4 (MANE Select); coding-DNA position 929, T replaced by G.
Protein change: p.Leu310Arg; replaces leucine 310 with arginine.
Molecular consequence: missense variant. On other transcripts: non-coding transcript variant (2).
Genome position (GRCh38, 1-based): chr9:127,479,864, T>G. VCF-style: chr9-127479864-T-G. GRCh37 (hg19) VCF-style: chr9-130242143-T-G.
Other names: c.929T>G, p.Leu310Arg (NM_001005374.4, NM_001190723.3, NM_001384142.1 and 2 more transcripts); c.140T>G, p.Leu47Arg (NM_001384144.1); short protein forms L310R, L47R.
Identifiers: ClinVar variation 2197541 (VCV002197541.6), dbSNP rs1356642009, ClinGen allele CA374931414.